The following is an entry in ClinVar:

ClinVar aggregate classification (germline): Benign (1 of 4 stars; one submission).

Allele frequency attached by ClinVar (database versions not stated): gnomAD 0.26635 and 0.26909; TOPMed 0.28060; 1000 Genomes Project 30x 0.28857; 1000 Genomes Project 0.29054.
gnomAD v4.1: 40,350 of 152,062 alleles (27%); highest among the groups gnomAD compares: African/African-American, 47%; 6,659 homozygotes.

Submission:

GeneDx
Classification: Benign. Last evaluated: 2018-06-19. Review status: criteria provided, single submitter. Criteria: GeneDx Variant Classification (06012015). Collection method: clinical testing. Allele origin: germline. Affected: yes.
Comment: This variant is considered likely benign or benign based on one or more of the following criteria: it is a conservative change, it occurs at a poorly conserved position in the protein, it is predicted to be benign by multiple in silico algorithms, and/or has population frequency not consistent with disease.

NM_000046.5(ARSB):c.690+271T>G

Gene: ARSB (arylsulfatase B; minus strand). Cytogenetic location: 5q14.1.
Variant type: single nucleotide variant.
Coding change: c.690+271T>G on transcript NM_000046.5 (MANE Select); 271 bases into the intron after coding-DNA position 690, T replaced by G.
Molecular consequence: intron variant.
Genome position (GRCh38, 1-based): chr5:78,964,145, A>C on the plus strand (T>G on the coding strand, the complement: ARSB is on the minus strand). VCF-style: chr5-78964145-A-C. GRCh37 (hg19) VCF-style: chr5-78259968-A-C.
Other names: c.690+271T>G (NM_198709.3).
Identifiers: ClinVar variation 680528 (VCV000680528.1), dbSNP rs7730261, ClinGen allele CA16231977.
Genomic context (GRCh38, chr5:78,964,145, plus strand): 5'-AACTATATTTCTATTGAAATACTACCAACATAGTATTCCTCAAAGTGTGATCTGGGGACC[A>C]CTCTTAAGAATCACCTTTTAAGAGTTTCTCTAAAATGCTGATGTACGGATTTCTCCCACG-3'